The following is an entry in ClinVar:

NM_003000.3(SDHB):c.496G>C (p.Gly166Arg)

Gene: SDHB (succinate dehydrogenase complex iron sulfur subunit B; minus strand). Cytogenetic location: 1p36.13.
Variant type: single nucleotide variant.
Coding change: c.496G>C on transcript NM_003000.3 (MANE Select); coding-DNA position 496, G replaced by C.
Protein change: p.Gly166Arg; replaces glycine 166 with arginine.
Molecular consequence: missense variant.
Genome position (GRCh38, 1-based): chr1:17,027,793, C>G on the plus strand (G>C on the coding strand, the complement: SDHB is on the minus strand). VCF-style: chr1-17027793-C-G. GRCh37 (hg19) VCF-style: chr1-17354288-C-G.
Other names: c.442G>C, p.Gly148Arg (NM_001407361.1); short protein forms G166R, G148R.
Identifiers: ClinVar variation 2942785 (VCV002942785.3), dbSNP rs2525017674, ClinGen allele CA338272706.

ClinVar aggregate classification (germline): Uncertain significance (1 of 4 stars; one submission).

Conditions:
Pheochromocytoma. Also called: MAX-Related Hereditary Paraganglioma-Pheochromocytoma Syndrome. Identifiers: Orphanet 29072, MedGen C0031511, MONDO:0008233, OMIM 171300, HP:0002666.
Gastrointestinal stromal tumor. Also called: Gastrointestinal stromal tumor, somatic; Gastrointestinal stroma tumor. Identifiers: Orphanet 44890, MedGen C0238198, MeSH D046152, MONDO:0011719, OMIM 606764, HP:0100723.
Pheochromocytoma/paraganglioma syndrome 4. Also called: CAROTID BODY TUMORS AND MULTIPLE EXTRAADRENAL PHEOCHROMOCYTOMAS; PARAGANGLIOMA, FAMILIAL MALIGNANT; PARAGANGLIOMAS, HEREDITARY EXTRAADRENAL; PHEOCHROMOCYTOMA, FAMILIAL EXTRAADRENAL; Paragangliomas 4; SDHB-Related Hereditary Paraganglioma-Pheochromocytoma Syndrome (Paragangliomas 4). Identifiers: Orphanet 29072, MedGen C1861848, MONDO:0007273, OMIM 115310.

Submission:

Labcorp Genetics (formerly Invitae), Labcorp
Classification: Uncertain significance for Gastrointestinal stromal tumor; Pheochromocytoma/paraganglioma syndrome 4; Pheochromocytoma. Last evaluated: 2022-12-30. Review status: criteria provided, single submitter. Criteria: Invitae Variant Classification Sherloc (09022015). Collection method: clinical testing. Allele origin: germline.
Comment: This sequence change replaces glycine, which is neutral and non-polar, with arginine, which is basic and polar, at codon 166 of the SDHB protein (p.Gly166Arg). This variant is not present in population databases (gnomAD no frequency). In summary, the available evidence is currently insufficient to determine the role of this variant in disease. Therefore, it has been classified as a Variant of Uncertain Significance. Advanced modeling of protein sequence and biophysical properties (such as structural, functional, and spatial information, amino acid conservation, physicochemical variation, residue mobility, and thermodynamic stability) performed at Invitae indicates that this missense variant is expected to disrupt SDHB protein function. This variant has not been reported in the literature in individuals affected with SDHB-related conditions.